The following is an entry in ClinVar:

ClinVar aggregate classification (germline): Uncertain significance (1 of 4 stars; one submission).

Conditions:
Ataxia-telangiectasia syndrome (AT). Also called: Cerebello-oculocutaneous telangiectasia; Immunodeficiency with ataxia telangiectasia; Ataxia telangiectasia (A-T); LOUIS-BAR SYNDROME; Ataxia-telangiectasia, complementation group D; AT, COMPLEMENTATION GROUP C. Identifiers: Orphanet 100, MedGen C0004135, MONDO:0008840, OMIM 208900.

Submission:

Labcorp Genetics (formerly Invitae), Labcorp
Classification: Uncertain significance for Ataxia-telangiectasia syndrome. Last evaluated: 2022-07-14. Review status: criteria provided, single submitter. Criteria: Invitae Variant Classification Sherloc (09022015). Collection method: clinical testing. Allele origin: germline.
Comment: In summary, the available evidence is currently insufficient to determine the role of this variant in disease. Therefore, it has been classified as a Variant of Uncertain Significance. Algorithms developed to predict the effect of sequence changes on RNA splicing suggest that this variant may disrupt the consensus splice site. This variant has not been reported in the literature in individuals affected with ATM-related conditions. This variant is not present in population databases (gnomAD no frequency). This sequence change falls in intron 33 of the ATM gene. It does not directly change the encoded amino acid sequence of the ATM protein.

NM_000051.4(ATM):c.5006-5T>G

Gene: ATM (ATM serine/threonine kinase; plus strand). Cytogenetic location: 11q22.3.
Variant type: single nucleotide variant.
Coding change: c.5006-5T>G on transcript NM_000051.4 (MANE Select); 5 bases into the intron before coding-DNA position 5006, T replaced by G.
Molecular consequence: intron variant.
Genome position (GRCh38, 1-based): chr11:108,299,709, T>G. VCF-style: chr11-108299709-T-G. GRCh37 (hg19) VCF-style: chr11-108170436-T-G.
Other names: c.5006-5T>G (NM_001351834.2).
Identifiers: ClinVar variation 2012166 (VCV002012166.4), dbSNP rs1555104475, ClinGen allele CA2580082961.
Genomic context (GRCh38, chr11:108,299,709, plus strand): 5'-AAAATTTCAGTTTTATGTATGATCTCTTACCTATGACTCTACTGAAATAGAATTTCTATA[T>G]GTAGAGGCTGTTGGAAGCTGCTTGGGAGAAGTGGGTCCTATAGATTTCTCTACCATAGCT-3'